The following is an entry in ClinVar:

NM_052813.5(CARD9):c.1225G>A (p.Val409Met)

Gene: CARD9 (caspase recruitment domain family member 9; minus strand). Cytogenetic location: 9q34.3.
Variant type: single nucleotide variant.
Coding change: c.1225G>A on transcript NM_052813.5 (MANE Select); coding-DNA position 1225, G replaced by A.
Protein change: p.Val409Met; replaces valine 409 with methionine.
Molecular consequence: missense variant.
Genome position (GRCh38, 1-based): chr9:136,367,681, C>T on the plus strand (G>A on the coding strand, the complement: CARD9 is on the minus strand). VCF-style: chr9-136367681-C-T. GRCh37 (hg19) VCF-style: chr9-139262133-C-T.
Other names: c.1225G>A, p.Val409Met (NM_052814.4); short protein forms V409M.
Identifiers: ClinVar variation 844792 (VCV000844792.7), dbSNP rs368200571, ClinGen allele CA5332792.
Genomic context (GRCh38, chr9:136,367,681, plus strand): 5'-CAGGCCCCAGGCCCACCAGGACGAGCGTCTCCAGCTGCTGCCGCCTGAGCCTGCCCTCCA[C>T]GGCCAGTAGCTGCGCCTCACACTGGAACACCTGCAGCTGCAGCTCATCCGCCTTCTCGCC-3'
Protein context (NP_434700.2, residues 399-419): VFQCEAQLLA[Val409Met]EGRLRRQQLE

ClinVar aggregate classification (germline): Uncertain significance (1 of 4 stars; one submission).

Conditions:
Predisposition to invasive fungal disease due to CARD9 deficiency (IMD103). Also called: Candidiasis, familial, 2, autosomal recessive; CARD9 IMMUNODEFICIENCY; IMMUNODEFICIENCY 103, SUSCEPTIBILITY TO FUNGAL INFECTIONS. Identifiers: Orphanet 457088, MedGen C1859353, MONDO:0008905, OMIM 212050.

Allele frequency attached by ClinVar (database versions not stated): gnomAD exomes 0.00003 and 0.00007; TOPMed 0.00003; gnomAD 0.00005; ExAC 0.00007; ESP Exome Variant Server 0.00015.
gnomAD v4.1: 56 of 1,599,686 alleles (0.0035%); highest among the groups gnomAD compares: South Asian, 0.021%; 1 homozygote.

Submission:

Labcorp Genetics (formerly Invitae), Labcorp
Classification: Uncertain significance for Predisposition to invasive fungal disease due to CARD9 deficiency. Last evaluated: 2022-05-25. Review status: criteria provided, single submitter. Criteria: Invitae Variant Classification Sherloc (09022015). Collection method: clinical testing. Allele origin: germline.
Comment: This sequence change replaces valine, which is neutral and non-polar, with methionine, which is neutral and non-polar, at codon 409 of the CARD9 protein (p.Val409Met). The frequency data for this variant in the population databases is considered unreliable, as metrics indicate poor data quality at this position in the gnomAD database. This variant has not been reported in the literature in individuals affected with CARD9-related conditions. ClinVar contains an entry for this variant (Variation ID: 844792). Algorithms developed to predict the effect of missense changes on protein structure and function output the following: SIFT: "Tolerated"; PolyPhen-2: "Benign"; Align-GVGD: "Class C0". The methionine amino acid residue is found in multiple mammalian species, which suggests that this missense change does not adversely affect protein function. In summary, the available evidence is currently insufficient to determine the role of this variant in disease. Therefore, it has been classified as a Variant of Uncertain Significance.